The following is an entry in ClinVar:

NM_022124.6(CDH23):c.754-254T>C

Gene: CDH23 (cadherin related 23; plus strand). Cytogenetic location: 10q22.1.
Variant type: single nucleotide variant.
Coding change: c.754-254T>C on transcript NM_022124.6 (MANE Select); 254 bases into the intron before coding-DNA position 754, T replaced by C.
Molecular consequence: intron variant.
Genome position (GRCh38, 1-based): chr10:71,577,660, T>C. VCF-style: chr10-71577660-T-C. GRCh37 (hg19) VCF-style: chr10-73337417-T-C.
Other names: c.754-254T>C (NM_001171930.2, NM_001171931.2, NM_052836.4 and 1 more transcripts).
Identifiers: ClinVar variation 680499 (VCV000680499.1), dbSNP rs10823789, ClinGen allele CA13281474.

ClinVar aggregate classification (germline): Benign (1 of 4 stars; one submission).

Allele frequency attached by ClinVar (database versions not stated): TOPMed 0.58589; gnomAD 0.58702 and 0.59385; 1000 Genomes Project 30x 0.63819; 1000 Genomes Project 0.64617.
gnomAD v4.1: 90,031 of 151,958 alleles (59%); highest among the groups gnomAD compares: East Asian, 82%; 27,038 homozygotes.

Submission:

GeneDx
Classification: Benign. Last evaluated: 2018-06-14. Review status: criteria provided, single submitter. Criteria: GeneDx Variant Classification (06012015). Collection method: clinical testing. Allele origin: germline. Affected: yes.
Comment: This variant is considered likely benign or benign based on one or more of the following criteria: it is a conservative change, it occurs at a poorly conserved position in the protein, it is predicted to be benign by multiple in silico algorithms, and/or has population frequency not consistent with disease.